The following is an entry in ClinVar:

ClinVar aggregate classification (germline): Uncertain significance (1 of 4 stars; one submission).

Conditions:
Atrial septal defect 5 (ASD5). Identifiers: Orphanet 1478, MedGen C2748552, MONDO:0013011, OMIM 612794.
Dilated cardiomyopathy 1R (CMD1R). Identifiers: Orphanet 154, Orphanet 54260, MedGen C3150681, MONDO:0013261, OMIM 613424.
Hypertrophic cardiomyopathy 11. Also called: ACTC1-Related Familial Hypertrophic Cardiomyopathy. Identifiers: MedGen C2677506, MONDO:0012799, OMIM 612098.

Submission:

Labcorp Genetics (formerly Invitae), Labcorp
Classification: Uncertain significance for Dilated cardiomyopathy 1R; Hypertrophic cardiomyopathy 11; Atrial septal defect 5. Last evaluated: 2021-04-23. Review status: criteria provided, single submitter. Criteria: Invitae Variant Classification Sherloc (09022015). Collection method: clinical testing. Allele origin: germline.
Comment: In summary, this variant is a novel missense change with uncertain impact on protein function. It has been classified as a Variant of Uncertain Significance. Algorithms developed to predict the effect of missense changes on protein structure and function (SIFT, PolyPhen-2, Align-GVGD) all suggest that this variant is likely to be disruptive, but these predictions have not been confirmed by published functional studies. This variant is not present in population databases (ExAC no frequency) and has not been reported in the literature in individuals with a ACTC1-related disease. This sequence change replaces valine with alanine at codon 161 of the ACTC1 protein (p.Val161Ala). The valine residue is highly conserved and there is a small physicochemical difference between valine and alanine.

NM_005159.5(ACTC1):c.482T>C (p.Val161Ala)

Genes: GJD2-DT (GJD2 divergent transcript; plus strand), ACTC1 (actin alpha cardiac muscle 1; minus strand). Cytogenetic location: 15q14.
Variant type: single nucleotide variant.
Coding change: c.482T>C on transcript NM_005159.5 (MANE Select); coding-DNA position 482, T replaced by C.
Protein change: p.Val161Ala; replaces valine 161 with alanine.
Molecular consequence: missense variant.
Genome position (GRCh38, 1-based): chr15:34,792,542, A>G on the plus strand (T>C on the coding strand, the complement: ACTC1 is on the minus strand). VCF-style: chr15-34792542-A-G. GRCh37 (hg19) VCF-style: chr15-35084743-A-G.
Other names: c.482T>C (LRG_388t1); short protein forms V161A.
Identifiers: ClinVar variation 410265 (VCV000410265.8), dbSNP rs1060502824, ClinGen allele CA16614746.
Genomic context (GRCh38, chr15:34,792,542, plus strand): 5'-TCCAGACGCATGATGGCATGGGGCAAAGCGTAGCCCTCATAGATGGGGACATTGTGAGTT[A>G]CACCATCCCCAGAGTCCAGAACAATGCCTGCCCGGGGAAGTAGACAAGAACAAGGTAAAT-3'
Protein context (NP_005150.1, residues 151-171): TGIVLDSGDG[Val161Ala]THNVPIYEGY